The following is an entry in ClinVar:

ClinVar aggregate classification (germline): Benign (1 of 4 stars; one submission).

Allele frequency attached by ClinVar (database versions not stated): 1000 Genomes Project 30x 0.38663; 1000 Genomes Project 0.39417; TOPMed 0.37847; gnomAD 0.38805.
gnomAD v4.1: 59,502 of 151,968 alleles (39%); highest among the groups gnomAD compares: South Asian, 58%; 12,088 homozygotes.

Submission:

GeneDx
Classification: Benign. Last evaluated: 2018-06-18. Review status: criteria provided, single submitter. Criteria: GeneDx Variant Classification (06012015). Collection method: clinical testing. Allele origin: germline. Affected: yes.
Comment: This variant is considered likely benign or benign based on one or more of the following criteria: it is a conservative change, it occurs at a poorly conserved position in the protein, it is predicted to be benign by multiple in silico algorithms, and/or has population frequency not consistent with disease.

NM_001134363.3(RBM20):c.1669-256C>T

Gene: RBM20 (RNA binding motif protein 20; plus strand). Cytogenetic location: 10q25.2.
Variant type: single nucleotide variant.
Coding change: c.1669-256C>T on transcript NM_001134363.3 (MANE Select); 256 bases into the intron before coding-DNA position 1669, C replaced by T.
Molecular consequence: intron variant.
Genome position (GRCh38, 1-based): chr10:110,799,531, C>T. VCF-style: chr10-110799531-C-T. GRCh37 (hg19) VCF-style: chr10-112559289-C-T.
Identifiers: ClinVar variation 683750 (VCV000683750.1), dbSNP rs7086491, ClinGen allele CA15672635.